The following is an entry in ClinVar:

ClinVar aggregate classification (germline): Uncertain significance. Review status: criteria provided, multiple submitters, no conflicts (2 of 4 stars). 2 submissions from 2 submitters: Uncertain significance (2). Last evaluated 2025-04-02.

Conditions:
Inborn genetic diseases. Identifiers: MedGen C0950123, MeSH D030342.

Allele frequency attached by ClinVar (database versions not stated): TOPMed 0.00003; gnomAD 0.00001.
gnomAD v4.1: 2 of 1,613,794 alleles (0.00012%); highest among the groups gnomAD compares: African/African-American, 0.0027%; no homozygotes.

Submissions (2):

Ambry Genetics
Classification: Uncertain significance for Inborn genetic diseases. Last evaluated: 2025-04-02. Review status: criteria provided, single submitter. Criteria: Ambry Variant Classification Scheme 2023. Collection method: clinical testing. Allele origin: germline.

Labcorp Genetics (formerly Invitae), Labcorp
Classification: Uncertain significance. Last evaluated: 2022-02-02. Review status: criteria provided, single submitter. Criteria: Invitae Variant Classification Sherloc (09022015). Collection method: clinical testing. Allele origin: germline.
Comment: This sequence change replaces arginine, which is basic and polar, with glutamine, which is neutral and polar, at codon 26 of the FAM161A protein (p.Arg26Gln). This variant is not present in population databases (gnomAD no frequency). This variant has not been reported in the literature in individuals affected with FAM161A-related conditions. Algorithms developed to predict the effect of missense changes on protein structure and function output the following: SIFT: "Tolerated"; PolyPhen-2: "Benign"; Align-GVGD: "Class C0". The glutamine amino acid residue is found in multiple mammalian species, which suggests that this missense change does not adversely affect protein function. In summary, the available evidence is currently insufficient to determine the role of this variant in disease. Therefore, it has been classified as a Variant of Uncertain Significance.

NM_001201543.2(FAM161A):c.77G>A (p.Arg26Gln)

Genes: FAM161A (FAM161 centrosomal protein A; minus strand), LOC129933843 (ATAC-STARR-seq lymphoblastoid active region 15839; plus strand). Cytogenetic location: 2p15.
Variant type: single nucleotide variant.
Coding change: c.77G>A on transcript NM_001201543.2 (MANE Select); coding-DNA position 77, G replaced by A.
Protein change: p.Arg26Gln; replaces arginine 26 with glutamine.
Molecular consequence: missense variant. On other transcripts: non-coding transcript variant (1).
Genome position (GRCh38, 1-based): chr2:61,853,965, C>T on the plus strand (G>A on the coding strand, the complement: FAM161A is on the minus strand). VCF-style: chr2-61853965-C-T. GRCh37 (hg19) VCF-style: chr2-62081100-C-T.
Other names: c.77G>A, p.Arg26Gln (NM_032180.3); c.77G>A (NM_001201543.1); short protein forms R26Q.
Identifiers: ClinVar variation 1372220 (VCV001372220.6), dbSNP rs911072071, ClinGen allele CA48483871.